The following is an entry in ClinVar:

ClinVar aggregate classification (germline): Uncertain significance. Review status: criteria provided, single submitter (1 of 4 stars). 2 submissions from 2 submitters: Uncertain significance (1). 1 of the submissions does not count toward it. Last evaluated 2021-08-31.

Conditions:
Histiocytic medullary reticulosis. Also called: SEVERE COMBINED IMMUNODEFICIENCY WITH HYPEREOSINOPHILIA; Omenn syndrome. Identifiers: Orphanet 39041, MedGen C2700553, MONDO:0011338, OMIM 603554.
Combined immunodeficiency with skin granulomas. Identifiers: Orphanet 157949, MedGen C2673536, MONDO:0009306, OMIM 233650.
Severe combined immunodeficiency, autosomal recessive, T cell-negative, B cell-negative, NK cell-positive. Also called: SCID, AR, T-cell negative, B-cell negative, NK cell-positive; SCID, T CELL-NEGATIVE, B CELL-NEGATIVE, NK CELL-POSITIVE; Severe combined immunodeficiency due to complete RAG1/2 deficiency. Identifiers: Orphanet 331206, MedGen C1832322, MONDO:0011086, OMIM 601457.

Allele frequency attached by ClinVar (database versions not stated): gnomAD exomes below 0.00001 and 0.00001; TOPMed below 0.00001; gnomAD 0.00001.
gnomAD v4.1: 19 of 1,613,832 alleles (0.0012%); highest among the groups gnomAD compares: Non-Finnish European, 0.0014%; no homozygotes.

Submissions (2):

Labcorp Genetics (formerly Invitae), Labcorp
Classification: Uncertain significance for Combined immunodeficiency with skin granulomas; Severe combined immunodeficiency, autosomal recessive, T cell-negative, B cell-negative, NK cell-positive. Last evaluated: 2021-08-31. Review status: criteria provided, single submitter. Criteria: Invitae Variant Classification Sherloc (09022015). Collection method: clinical testing. Allele origin: germline.
Comment: This sequence change replaces arginine with serine at codon 237 of the RAG2 protein (p.Arg237Ser). The arginine residue is moderately conserved and there is a moderate physicochemical difference between arginine and serine. This variant is not present in population databases (ExAC no frequency). This variant has not been reported in the literature in individuals affected with RAG2-related conditions. Algorithms developed to predict the effect of missense changes on protein structure and function are either unavailable or do not agree on the potential impact of this missense change (SIFT: "Deleterious"; PolyPhen-2: "Benign"; Align-GVGD: "Class C0"). In summary, the available evidence is currently insufficient to determine the role of this variant in disease. Therefore, it has been classified as a Variant of Uncertain Significance.

Natera, Inc.
Classification: Uncertain significance for Omenn syndrome. Last evaluated: 2020-12-02. Review status: no assertion criteria provided. Collection method: clinical testing. Allele origin: germline. Not counted in ClinVar's aggregate classification.

NM_000536.4(RAG2):c.711G>T (p.Arg237Ser)

Gene: RAG2 (recombination activating 2; minus strand). Cytogenetic location: 11p12.
Variant type: single nucleotide variant.
Coding change: c.711G>T on transcript NM_000536.4 (MANE Select); coding-DNA position 711, G replaced by T.
Protein change: p.Arg237Ser; replaces arginine 237 with serine.
Molecular consequence: missense variant.
Genome position (GRCh38, 1-based): chr11:36,593,458, C>A on the plus strand (G>T on the coding strand, the complement: RAG2 is on the minus strand). VCF-style: chr11-36593458-C-A. GRCh37 (hg19) VCF-style: chr11-36615008-C-A.
Other names: c.711G>T, p.Arg237Ser (NM_001243785.2, NM_001243786.2); short protein forms R237S.
Identifiers: ClinVar variation 849651 (VCV000849651.8), dbSNP rs1254138271, ClinGen allele CA380142269.
Genomic context (GRCh38, chr11:36,593,458, plus strand): 5'-AGAGATTCCTCCTGGCAAGACTGTGCAATTCACAGCTGGGCTACCCAGGGGAAGATCAAC[C>A]CTTATTCTGTACAGGTTGGCAGGCCGGATATTATTGGCAAGTGAATGTCCTCCTAAAATA-3'
Protein context (NP_000527.2, residues 227-247): NIRPANLYRI[Arg237Ser]VDLPLGSPAV